The following is an entry in ClinVar:

NM_017672.6(TRPM7):c.1609T>C (p.Tyr537His)

Gene: TRPM7 (transient receptor potential cation channel subfamily M member 7; minus strand). Cytogenetic location: 15q21.2.
Variant type: single nucleotide variant.
Coding change: c.1609T>C on transcript NM_017672.6 (MANE Select); coding-DNA position 1609, T replaced by C.
Protein change: p.Tyr537His; replaces tyrosine 537 with histidine.
Molecular consequence: missense variant. On other transcripts: non-coding transcript variant (3).
Genome position (GRCh38, 1-based): chr15:50,614,149, A>G on the plus strand (T>C on the coding strand, the complement: TRPM7 is on the minus strand). VCF-style: chr15-50614149-A-G. GRCh37 (hg19) VCF-style: chr15-50906346-A-G.
Other names: c.1609T>C, p.Tyr537His (NM_001301212.2); short protein forms Y537H.
Identifiers: ClinVar variation 2577126 (VCV002577126.2), dbSNP rs200922295, ClinGen allele CA7557628.

ClinVar aggregate classification (germline): Uncertain significance (1 of 4 stars; one submission).

Allele frequency attached by ClinVar (database versions not stated): gnomAD 0.00038; ExAC 0.00039; TOPMed 0.00040; gnomAD exomes 0.00093; ESP Exome Variant Server 0.00094.
gnomAD v4.1: 1,391 of 1,609,606 alleles (0.086%); highest among the groups gnomAD compares: Non-Finnish European, 0.11%; 1 homozygote.

Submission:

Women's Health and Genetics/Laboratory Corporation of America, LabCorp
Classification: Uncertain significance. Last evaluated: 2024-05-06. Review status: criteria provided, single submitter. Criteria: LabCorp Variant Classification Summary - May 2015. Collection method: clinical testing. Allele origin: germline.
Comment: Variant summary: TRPM7 c.1609T>C (p.Tyr537His) results in a conservative amino acid change located in the Alpha-type protein kinase, alpha-kinase domain (IPR004166) of the encoded protein sequence. Four of five in-silico tools predict a damaging effect of the variant on protein function. The variant allele was found at a frequency of 0.00086 in 1609606 control chromosomes in the gnomAD database, including 1 homozygote. This frequency is not significantly higher than estimated for a pathogenic variant in TRPM7 causing Amyotrophic Lateral Sclerosis-Parkinsonism Complex, allowing no conclusion about variant significance. To our knowledge, no occurrence of c.1609T>C in individuals affected with Amyotrophic Lateral Sclerosis-Parkinsonism Complex and no experimental evidence demonstrating its impact on protein function have been reported. ClinVar contains an entry for this variant (Variation ID: 2577126). Based on the evidence outlined above, the variant was classified as VUS-possibly benign.